The following is an entry in ClinVar:

NM_004304.5(ALK):c.668G>A (p.Gly223Asp)

Gene: ALK (ALK receptor tyrosine kinase; minus strand). Cytogenetic location: 2p23.2.
Variant type: single nucleotide variant.
Coding change: c.668G>A on transcript NM_004304.5 (MANE Select); coding-DNA position 668, G replaced by A.
Protein change: p.Gly223Asp; replaces glycine 223 with aspartic acid.
Molecular consequence: missense variant.
Genome position (GRCh38, 1-based): chr2:29,717,697, C>T on the plus strand (G>A on the coding strand, the complement: ALK is on the minus strand). VCF-style: chr2-29717697-C-T. GRCh37 (hg19) VCF-style: chr2-29940563-C-T.
Other names: short protein forms G223D.
Identifiers: ClinVar variation 1349455 (VCV001349455.8), dbSNP rs775574527, ClinGen allele CA1594900.
Genomic context (GRCh38, chr2:29,717,697, plus strand): 5'-CATGTAAAATAATCAGGAGAAGGAGAAGGCATGTTTGTTGGTGATTCCAAGGAGCTATGA[C>T]CTGGACATAAAAATAAAGAAAACACTGATCCATGTGCTTGGGGTGTGTCTTTTAGCTGTC-3'
Protein context (NP_004295.2, residues 213-233): PRLLFQIFGT[Gly223Asp]HSSLESPTNM

ClinVar aggregate classification (germline): Uncertain significance (1 of 4 stars; one submission).

Conditions:
Neuroblastoma, susceptibility to, 3. Also called: ALK-Related Neuroblastic Tumor Susceptibility. Identifiers: Orphanet 635, MedGen C2751681, MONDO:0013083, OMIM 613014.

Allele frequency attached by ClinVar (database versions not stated): gnomAD exomes below 0.00001; ExAC 0.00001.
gnomAD v4.1: 3 of 1,614,056 alleles (0.00019%); highest among the groups gnomAD compares: South Asian, 0.0022%; no homozygotes.

Submission:

Labcorp Genetics (formerly Invitae), Labcorp
Classification: Uncertain significance for Neuroblastoma, susceptibility to, 3. Last evaluated: 2021-01-10. Review status: criteria provided, single submitter. Criteria: Invitae Variant Classification Sherloc (09022015). Collection method: clinical testing. Allele origin: germline.
Comment: In summary, the available evidence is currently insufficient to determine the role of this variant in disease. Therefore, it has been classified as a Variant of Uncertain Significance. Algorithms developed to predict the effect of missense changes on protein structure and function output the following: SIFT: "Deleterious"; PolyPhen-2: "Benign"; Align-GVGD: "Class C0". The aspartic acid amino acid residue is found in multiple mammalian species, suggesting that this missense change does not adversely affect protein function. These predictions have not been confirmed by published functional studies and their clinical significance is uncertain. This variant has not been reported in the literature in individuals with ALK-related conditions. This variant is present in population databases (rs775574527, ExAC 0.006%). This sequence change replaces glycine with aspartic acid at codon 223 of the ALK protein (p.Gly223Asp). The glycine residue is moderately conserved and there is a moderate physicochemical difference between glycine and aspartic acid.